The following is an entry in ClinVar:

ClinVar aggregate classification (germline): Conflicting classifications of pathogenicity. Review status: criteria provided, conflicting classifications (1 of 4 stars). 15 submissions from 14 submitters: Uncertain significance (11); Likely benign (1). 3 of the submissions do not count toward it. Last evaluated 2025-05-07.

Conditions:
Hereditary cancer-predisposing syndrome. Also called: Hereditary neoplastic syndrome; Tumor predisposition; Neoplastic Syndromes, Hereditary; Hereditary Cancer Syndrome. Identifiers: Orphanet 140162, MedGen C0027672, MeSH D009386, MONDO:0015356.
Ovarian cancer. Also called: OVARIAN CANCER, SOMATIC. Identifiers: Orphanet 213500, MedGen C1140680, MONDO:0008170, OMIM 167000.
Familial cancer of breast. Also called: hereditary breast carcinoma; Hereditary breast cancer; BREAST CANCER, FAMILIAL. Identifiers: Orphanet 227535, MedGen C0346153, MONDO:0016419, OMIM 114480. Disease mechanism: loss of function.
Fanconi anemia complementation group J. Also called: BRIP1-Related Fanconi Anemia. Identifiers: Orphanet 84, MedGen C1836860, MONDO:0012187, OMIM 609054.
Malignant tumor of breast. Also called: Malignant breast neoplasm; Cancer breast. Identifiers: MedGen C0006142, MONDO:0007254. Disease mechanism: loss of function.

Allele frequency attached by ClinVar (database versions not stated): gnomAD exomes 0.00001 and 0.00002; TOPMed 0.00001; ExAC 0.00002; gnomAD 0.00002.
gnomAD v4.1: 27 of 1,613,928 alleles (0.0017%); highest among the groups gnomAD compares: Non-Finnish European, 0.0023%; no homozygotes.

Submissions (15):

Color Diagnostics, LLC DBA Color Health
Classification: Uncertain significance for Hereditary cancer-predisposing syndrome. Last evaluated: 2025-05-07. Review status: criteria provided, single submitter. Criteria: ACMG Guidelines, 2015. Collection method: clinical testing. Allele origin: germline.
Comment: This missense variant replaces glutamic acid with glutamine at codon 1111 of the BRIP1 protein. Computational prediction suggests that this variant may not impact protein structure and function. To our knowledge, functional studies have not been reported for this variant. This variant has been observed in individuals affected with breast cancer (PMID: 26689913, 33471991) and in an individual affected with ovarian cancer (PMID: 26315354). This variant has been identified in 6/282292 chromosomes in the general population by the Genome Aggregation Database (gnomAD). The available evidence is insufficient to determine the role of this variant in disease conclusively. Therefore, this variant is classified as a Variant of Uncertain Significance.

ARUP Laboratories, Molecular Genetics and Genomics, ARUP Laboratories
Classification: Uncertain significance. Last evaluated: 2025-04-17. Review status: criteria provided, single submitter. Criteria: ARUP Molecular Germline Variant Investigation Process 2024. Collection method: clinical testing. Allele origin: germline.
Comment: The BRIP1 c.3331G>C; p.Glu1111Gln variant (rs587780248, ClinVar Variation ID: 128186) is reported in the literature in individuals affected with breast or ovarian cancer and healthy controls (Lu 2015, Ramus 2015). This variant is found in the non-Finnish European population with an allele frequency of 0.005% (6/128,780 alleles) in the Genome Aggregation Database (v2.1.1). Computational analyses predict that this variant is neutral (REVEL: 0.14). Due to limited information, the clinical significance of this variant is uncertain at this time. References: Lu C et al. Patterns and functional implications of rare germline variants across 12 cancer types. Nat Commun. 2015 Dec 22;6:10086. PMID: 26689913. Ramus SJ et al. Germline Mutations in the BRIP1, BARD1, PALB2, and NBN Genes in Women With Ovarian Cancer. J Natl Cancer Inst. 2015 Aug 27;107(11):djv214. PMID: 26315354.

Labcorp Genetics (formerly Invitae), Labcorp
Classification: Uncertain significance for Familial cancer of breast; Fanconi anemia complementation group J. Last evaluated: 2025-01-23. Review status: criteria provided, single submitter. Criteria: Invitae Variant Classification Sherloc (09022015). Collection method: clinical testing. Allele origin: germline.
Comment: This sequence change replaces glutamic acid, which is acidic and polar, with glutamine, which is neutral and polar, at codon 1111 of the BRIP1 protein (p.Glu1111Gln). This variant is present in population databases (rs587780248, gnomAD 0.004%). This missense change has been observed in individual(s) with breast cancer and/or ovarian cancer (PMID: 26315354, 26689913). ClinVar contains an entry for this variant (Variation ID: 128186). Invitae Evidence Modeling of protein sequence and biophysical properties (such as structural, functional, and spatial information, amino acid conservation, physicochemical variation, residue mobility, and thermodynamic stability) indicates that this missense variant is not expected to disrupt BRIP1 protein function with a negative predictive value of 95%. In summary, the available evidence is currently insufficient to determine the role of this variant in disease. Therefore, it has been classified as a Variant of Uncertain Significance.

Quest Diagnostics Nichols Institute San Juan Capistrano
Classification: Uncertain significance. Last evaluated: 2025-01-20. Review status: criteria provided, single submitter. Criteria: Quest Diagnostics criteria. Collection method: clinical testing. Allele origin: unknown.
Comment: The BRIP1 c.3331G>C (p.Glu1111Gln) variant has been reported in the published literature in individuals with breast cancer (PMID: 26689913 (2015)), ovarian cancer (PMID: 26315354 (2015)), and sarcoma (PMID: 32885271 (2021)). This variant has also been observed in additional individuals with breast cancer and reportedly healthy individuals in a case-control study (PMID: 33471991 (2021), see LOVD). The frequency of this variant in the general population (Genome Aggregation Database) is uninformative in the assessment of its pathogenicity. Analysis of this variant using bioinformatics tools for the prediction of the effect of amino acid changes on protein structure and function yielded predictions that this variant is benign. Based on the available information, we are unable to determine the clinical significance of this variant.

GeneDx
Classification: Uncertain significance. Last evaluated: 2024-12-17. Review status: criteria provided, single submitter. Criteria: GeneDx Variant Classification Process June 2021. Collection method: clinical testing. Allele origin: germline. Affected: yes.
Comment: In silico analysis indicates that this missense variant does not alter protein structure/function; Observed in individuals with breast or ovarian cancer (PMID: 26689913, 26315354); This variant is associated with the following publications: (PMID: 26689913, 26315354, 33471991)

Blueprint Genetics
Classification: Uncertain significance. Last evaluated: 2024-10-21. Review status: criteria provided, single submitter. Criteria: ACMG Guidelines, 2015. Collection method: clinical testing. Allele origin: germline.

Ambry Genetics
Classification: Likely benign for Hereditary cancer-predisposing syndrome. Last evaluated: 2024-07-03. Review status: criteria provided, single submitter. Criteria: Ambry Variant Classification Scheme 2023. Collection method: clinical testing. Allele origin: germline.

Baylor Genetics
Classification: Uncertain significance for Familial cancer of breast. Last evaluated: 2023-10-30. Review status: criteria provided, single submitter. Criteria: ACMG Guidelines, 2015. Collection method: clinical testing. Allele origin: unknown.

Myriad Genetics, Inc.
Classification: Uncertain significance for Familial cancer of breast. Last evaluated: 2023-03-02. Review status: criteria provided, single submitter. Criteria: Myriad Autosomal Dominant, Autosomal Recessive and X-Linked Classification Criteria (2023). Collection method: clinical testing. Allele origin: unknown.
Comment: This variant is classified as a variant of uncertain significance as there is insufficient evidence to determine its impact on protein function and/or cancer risk.

Sema4
Classification: Uncertain significance for Hereditary cancer-predisposing syndrome. Last evaluated: 2022-01-25. Review status: criteria provided, single submitter. Criteria: Sema4 Curation Guidelines. Collection method: curation. Allele origin: germline.
Comment: The BRIP1 c.3331G>C (p.E1111Q) variant has been reported in at least two individuals with breast and ovarian cancer (PMID: 26315354, 26689913). It has been reported in a large case-control study of breast cancer in 3/60466 cases and 4/53461 controls (PMID: 33471991). It was observed in 6/128780 chromosomes of the European (non-Finnish) subpopulation in the large and broad cohorts of the Genome Aggregation Database (PMID: 32461654). This variant has been reported in ClinVar (Variation ID 128186). Functional studies have not been performed, and in silico predictions of the variant's effect on protein function are inconclusive. The evidence is insufficient to meet ACMG/AMP criteria for classifying the variant as benign or pathogenic. Thus, the clinical significance of this variant is currently uncertain.

Institute for Clinical Genetics, University Hospital TU Dresden, University Hospital TU Dresden
Classification: Uncertain significance. Last evaluated: 2021-11-03. Review status: criteria provided, single submitter. Criteria: ACMG Guidelines, 2015. Collection method: clinical testing. Allele origin: germline.

Women's Health and Genetics/Laboratory Corporation of America, LabCorp
Classification: Uncertain significance. Last evaluated: 2019-03-07. Review status: criteria provided, single submitter. Criteria: LabCorp Variant Classification Summary - May 2015. Collection method: clinical testing. Allele origin: germline.
Comment: Variant summary: BRIP1 c.3331G>C (p.Glu1111Gln) results in a conservative amino acid change in the encoded protein sequence. Five of five in-silico tools predict a benign effect of the variant on protein function. The variant allele was found at a frequency of 1.8e-05 in 276776 control chromosomes (gnomAD). The available data on variant occurrences in the general population are insufficient to allow any conclusion about variant significance. This variant has been reported in the literature in individuals affected with Hereditary Breast and Ovarian Cancer (Lu_2015, Ramus_2015). These reports do not provide unequivocal conclusions about association of the variant with Hereditary Breast and Ovarian Cancer. To our knowledge, no experimental evidence demonstrating an impact on protein function has been reported. Five ClinVar submissions from clinical diagnostic laboratories (evaluation after 2014) cite the variant as uncertain significance. Based on the evidence outlined above, the variant was classified as uncertain significance.

Counsyl
Classification: Uncertain significance for Fanconi anemia complementation group J. Last evaluated: 2016-10-05. Review status: no assertion criteria provided. Collection method: clinical testing. Allele origin: unknown. Not counted in ClinVar's aggregate classification.

Counsyl
Classification: Uncertain significance for Ovarian cancer. Last evaluated: 2016-10-05. Review status: no assertion criteria provided. Collection method: clinical testing. Allele origin: unknown. Not counted in ClinVar's aggregate classification.

Department of Pathology and Laboratory Medicine, Sinai Health System
Classification: Uncertain significance for Malignant tumor of breast. Review status: no assertion criteria provided. Collection method: clinical testing. Allele origin: unknown. Affected: yes. Study: The Canadian Open Genetics Repository (COGR). Not counted in ClinVar's aggregate classification.
Comment: The BRIP1 p.Glu1111Gln variant was identified in 1 of 6472 proband chromosomes (frequency: 0.0002) from individuals or families with ovarian cancer and was not identified in 6862 control chromosomes from healthy individuals (Ramus 2015 ). The variant was also identified in dbSNP (ID: rs587780248) as "With Uncertain significance allele", and in ClinVar (classified as uncertain significance by GeneDx, Invitae, Ambry Genetics, Counsyl, Color Genomics) databases. The variant was not identified in Cosmic, or Zhejiang University databases. The variant was identified in control databases in 5 of 276776 chromosomes at a frequency of 0.000018 (Genome Aggregation Database Feb 27, 2017). The variant was observed in European population in 5 of 126324 chromosomes (freq: 0.00004), while the variant was not observed in the African, Other, Latino, Ashkenazi Jewish, East Asian, Finnish, and South Asian populations. The p.Glu1111 residue is not conserved in mammals and computational analyses (PolyPhen-2, SIFT, AlignGVGD, BLOSUM, MutationTaster) do not suggest a high likelihood of impact to the protein; however, this information is not predictive enough to rule out pathogenicity. The variant occurs outside of the splicing consensus sequence and 1 of 5 in silico or computational prediction software programs (SpliceSiteFinder, MaxEntScan, NNSPLICE, GeneSplicer, HumanSpliceFinder) predict a greater than 10% difference in splicing; this is not very predictive of pathogenicity. In summary, based on the above information the clinical significance of this variant cannot be determined with certainty at this time. This variant is classified as a variant of uncertain significance.

Literature cited by the submitters: PubMed 26315354 (cited by 7 submitters); PubMed 26689913 (cited by 7 submitters); PubMed 33471991 (cited by 3 submitters); PubMed 35739269 (cited by Quest Diagnostics Nichols Institute San Juan Capistrano); PubMed 32885271 (cited by Quest Diagnostics Nichols Institute San Juan Capistrano).

NM_032043.3(BRIP1):c.3331G>C (p.Glu1111Gln)

Gene: BRIP1 (BRCA1 interacting DNA helicase 1; minus strand). Cytogenetic location: 17q23.2.
Variant type: single nucleotide variant.
Coding change: c.3331G>C on transcript NM_032043.3 (MANE Select); coding-DNA position 3331, G replaced by C.
Protein change: p.Glu1111Gln; replaces glutamic acid 1111 with glutamine.
Molecular consequence: missense variant.
Genome position (GRCh38, 1-based): chr17:61,683,715, C>G on the plus strand (G>C on the coding strand, the complement: BRIP1 is on the minus strand). VCF-style: chr17-61683715-C-G. GRCh37 (hg19) VCF-style: chr17-59761076-C-G.
Other names: p.E1111Q:GAA>CAA; short protein forms E1111Q.
Identifiers: ClinVar variation 128186 (VCV000128186.39), dbSNP rs587780248, ClinGen allele CA288588.
Genomic context (GRCh38, chr17:61,683,715, plus strand): 5'-AGATAGATTCATCTTCTGCTTCTGTTTCAAAATCTCTATTTGAAGTGGACTGTTTATCTT[C>G]TTCACTTACTAGAGACAATTCAATGTCTGGATCCAGGGCTTCTTCAGAACAGAGCGGATG-3'
Protein context (NP_114432.2, residues 1101-1121): PDIELSLVSE[Glu1111Gln]DKQSTSNRDF